The following is an entry in ClinVar:

ClinVar aggregate classification (germline): Uncertain significance (1 of 4 stars; one submission).

Conditions:
Hypertrophic cardiomyopathy. Also called: HYPERTROPHIC MYOCARDIOPATHY. Identifiers: Orphanet 217569, MedGen C0007194, MeSH D002312, MONDO:0005045, HP:0001639.

Submission:

Labcorp Genetics (formerly Invitae), Labcorp
Classification: Uncertain significance for Hypertrophic cardiomyopathy. Last evaluated: 2023-12-18. Review status: criteria provided, single submitter. Criteria: Invitae Variant Classification Sherloc (09022015). Collection method: clinical testing. Allele origin: germline.
Comment: This sequence change replaces serine, which is neutral and polar, with arginine, which is basic and polar, at codon 1024 of the MYBPC3 protein (p.Ser1024Arg). This variant is not present in population databases (gnomAD no frequency). This variant has not been reported in the literature in individuals affected with MYBPC3-related conditions. ClinVar contains an entry for this variant (Variation ID: 1492638). An algorithm developed to predict the effect of missense changes on protein structure and function (PolyPhen-2) suggests that this variant is likely to be disruptive. In summary, the available evidence is currently insufficient to determine the role of this variant in disease. Therefore, it has been classified as a Variant of Uncertain Significance.

NM_000256.3(MYBPC3):c.3072C>G (p.Ser1024Arg)

Gene: MYBPC3 (myosin binding protein C3; minus strand). Cytogenetic location: 11p11.2.
Variant type: single nucleotide variant.
Coding change: c.3072C>G on transcript NM_000256.3 (MANE Select); coding-DNA position 3072, C replaced by G.
Protein change: p.Ser1024Arg; replaces serine 1024 with arginine.
Molecular consequence: missense variant.
Genome position (GRCh38, 1-based): chr11:47,333,675, G>C on the plus strand (C>G on the coding strand, the complement: MYBPC3 is on the minus strand). VCF-style: chr11-47333675-G-C. GRCh37 (hg19) VCF-style: chr11-47355226-G-C.
Other names: short protein forms S1024R.
Identifiers: ClinVar variation 1492638 (VCV001492638.6), dbSNP rs767605155, ClinGen allele CA380315307.
Genomic context (GRCh38, chr11:47,333,675, plus strand): 5'-CTGGTAAGTGCCTGAATGCACGCGGCGAGCGGCCCGGATGAACAGGATGGTGTCTGTGGG[G>C]CTGTTGCGGATGCTCACCTCCTCGCCTGCCAGGGGCTGCCCCTCTTTGGTCCAGGTCACC-3'
Protein context (NP_000247.2, residues 1014-1034): LAGEEVSIRN[Ser1024Arg]PTDTILFIRA